The following is an entry in ClinVar:

NM_002474.3(MYH11):c.2166G>A (p.Gln722=)

Gene: MYH11 (myosin heavy chain 11; minus strand). Cytogenetic location: 16p13.11.
Variant type: single nucleotide variant.
Coding change: c.2166G>A on transcript NM_002474.3 (MANE Select); coding-DNA position 2166, G replaced by A.
Protein change: p.Gln722=; no amino-acid change (glutamine 722 retained).
Molecular consequence: synonymous variant.
Genome position (GRCh38, 1-based): chr16:15,748,061, C>T on the plus strand (G>A on the coding strand, the complement: MYH11 is on the minus strand). VCF-style: chr16-15748061-C-T. GRCh37 (hg19) VCF-style: chr16-15841918-C-T.
Other names: c.2187G>A, p.Gln729= (NM_001040113.2, NM_001040114.2); c.2166G>A, p.Gln722= (NM_022844.3).
Identifiers: ClinVar variation 534168 (VCV000534168.15), dbSNP rs548956512, ClinGen allele CA7922378.

ClinVar aggregate classification (germline): Benign/Likely benign. Review status: criteria provided, multiple submitters, no conflicts (2 of 4 stars). 5 submissions from 5 submitters: Benign (3); Likely benign (2). Last evaluated 2025-12-29.

Conditions:
Aortic aneurysm, familial thoracic 4 (AAT4). Also called: AORTIC ANEURYSM/AORTIC DISSECTION AND PATENT DUCTUS ARTERIOSUS. Identifiers: MedGen C1851504, MONDO:0007568, OMIM 132900.
MYH11-related disorder. Also called: MYH11-related condition.
Familial thoracic aortic aneurysm and aortic dissection (TAAD). Also called: Thoracic aortic aneurysms and dissections. Identifiers: Orphanet 91387, MedGen C4707243, MONDO:0019625.

Allele frequency attached by ClinVar (database versions not stated): gnomAD below 0.00001 and 0.00008; TOPMed 0.00001; gnomAD exomes 0.00009 and 0.00018; ExAC 0.00020; 1000 Genomes Project 30x 0.00094; 1000 Genomes Project 0.00120.
gnomAD v4.1: 148 of 1,614,236 alleles (0.0092%); highest among the groups gnomAD compares: South Asian, 0.15%; 2 homozygotes.

Submissions (5):

Labcorp Genetics (formerly Invitae), Labcorp
Classification: Benign for Aortic aneurysm, familial thoracic 4. Last evaluated: 2025-12-29. Review status: criteria provided, single submitter. Criteria: Invitae Variant Classification Sherloc (09022015). Collection method: clinical testing. Allele origin: germline.

PreventionGenetics, part of Exact Sciences
Classification: Likely benign for MYH11-related condition. Last evaluated: 2024-12-18. Review status: criteria provided, single submitter. Criteria: ACMG Guidelines, 2015. Collection method: clinical testing. Allele origin: germline.
Comment: This variant is classified as likely benign based on ACMG/AMP sequence variant interpretation guidelines (Richards et al. 2015 PMID: 25741868, with internal and published modifications).

All of Us Research Program, National Institutes of Health
Classification: Benign for Familial thoracic aortic aneurysm and aortic dissection. Last evaluated: 2023-12-01. Review status: criteria provided, single submitter. Criteria: ACMG Guidelines, 2015. Collection method: clinical testing. Allele origin: germline. Inheritance: Autosomal dominant inheritance. Observed: 3 variant alleles, 3 heterozygotes.
Comment: This study involves interpretation of variants in research participants for the purpose of population health screening. Participant phenotype was not available at the time of variant classification. Additional details can be found in publication PMID: 35346344, PMCID: PMC8962531

Ambry Genetics
Classification: Likely benign for Familial thoracic aortic aneurysm and aortic dissection. Last evaluated: 2021-04-05. Review status: criteria provided, single submitter. Criteria: Ambry Variant Classification Scheme 2023. Collection method: clinical testing. Allele origin: germline.

Color Diagnostics, LLC DBA Color Health
Classification: Benign for Familial thoracic aortic aneurysm and aortic dissection. Last evaluated: 2018-10-21. Review status: criteria provided, single submitter. Criteria: ACMG Guidelines, 2015. Collection method: clinical testing. Allele origin: germline.